The following is an entry in ClinVar:

ClinVar aggregate classification (germline): Likely benign. Review status: criteria provided, multiple submitters, no conflicts (2 of 4 stars). 3 submissions from 3 submitters: Likely benign (2). 1 of the submissions does not count toward it. Last evaluated 2024-07-24.

Conditions:
CEACAM16-related disorder. Also called: CEACAM16-related condition.

gnomAD v4.1: 725 of 1,613,614 alleles (0.045%); highest among the groups gnomAD compares: Non-Finnish European, 0.058%; no homozygotes.

Submissions (3):

GeneDx
Classification: Likely benign. Last evaluated: 2024-07-24. Review status: criteria provided, single submitter. Criteria: GeneDx Variant Classification Process June 2021. Collection method: clinical testing. Allele origin: germline. Affected: yes.
Comment: See Variant Classification Assertion Criteria.

Blueprint Genetics
Classification: Likely benign. Last evaluated: 2024-01-03. Review status: criteria provided, single submitter. Criteria: ACMG Guidelines, 2015. Collection method: clinical testing. Allele origin: germline.

PreventionGenetics, part of Exact Sciences
Classification: Likely benign for CEACAM16-related condition. Last evaluated: 2019-11-25. Review status: no assertion criteria provided. Collection method: clinical testing. Allele origin: germline. Not counted in ClinVar's aggregate classification.
Comment: This variant is classified as likely benign based on ACMG/AMP sequence variant interpretation guidelines (Richards et al. 2015 PMID: 25741868, with internal and published modifications).

NM_001039213.4(CEACAM16):c.*4C>T

Genes: CEACAM16 (CEA cell adhesion molecule 16, tectorial membrane component; plus strand), CEACAM16-AS1 (CEACAM16, CEACAM19 and PVR antisense RNA 1; minus strand). Cytogenetic location: 19q13.32.
Variant type: single nucleotide variant.
Coding change: c.*4C>T on transcript NM_001039213.4 (MANE Select); 4 bases downstream of the stop codon, C replaced by T.
Molecular consequence: 3 prime UTR variant.
Genome position (GRCh38, 1-based): chr19:44,710,510, C>T. VCF-style: chr19-44710510-C-T. GRCh37 (hg19) VCF-style: chr19-45213782-C-T.
Other names: c.*4C>T (NM_001039213.3).
Identifiers: ClinVar variation 1202795 (VCV001202795.7), dbSNP rs199656542, ClinGen allele CA9503289.
Genomic context (GRCh38, chr19:44,710,510, plus strand): 5'-TCTCTCTGACATCCTCCTTCGCCCCCTCGCCCCATATGCCCCACAGCCCTGGGGTAACAG[C>T]GTGACCCTGGAGACGTCCAGAGAGAAGAGCTCTTCGCACCATCCTCTGGTCCTCGCCCTC-3'